The following is an entry in ClinVar:

NM_182641.4(BPTF):c.202del (p.Arg68fs)

Gene: BPTF (bromodomain PHD finger transcription factor; plus strand). Cytogenetic location: 17q24.2.
Variant type: Deletion.
Coding change: c.202del on transcript NM_182641.4 (MANE Select); coding-DNA position 202, one base deleted (A; older notation c.202delA).
Protein change: p.Arg68fs; shifts the reading frame from arginine 68.
Molecular consequence: frameshift variant.
Genome position (GRCh38, 1-based): chr17:67,825,926, A deleted. VCF-style (leftmost placement, unchanged base first): chr17-67825925-CA-C. GRCh37 (hg19) VCF-style: chr17-65822041-CA-C.
Other names: c.202del, p.Arg68fs (NM_001439141.1, NM_001439142.1, NM_001439143.1 and 4 more transcripts); short protein forms R68fs.
Identifiers: ClinVar variation 4214990 (VCV004214990.1).
Genomic context (GRCh38, chr17:67,825,925, plus strand): 5'-CCGGGGCAGGTGGGCCGCCGCCCAGGCTGAGGTGGCGCCCAAGACGCGGCTGAGCTCGCC[CA>C]GGGGGGGCAGCAGTAGCCGGAGGAAGCCGCCGCCGCCGCCGCCGGCCCCCCCCAGCACCA-3'

ClinVar aggregate classification (germline): Pathogenic (1 of 4 stars; one submission).

Conditions:
Inborn genetic diseases. Identifiers: MedGen C0950123, MeSH D030342.

Submission:

Ambry Genetics
Classification: Pathogenic for Inborn genetic diseases. Last evaluated: 2025-09-11. Review status: criteria provided, single submitter. Criteria: Ambry Variant Classification Scheme 2023. Collection method: clinical testing. Allele origin: germline.
Comment: The c.202delA (p.R68Gfs*169) alteration, located in exon 1 (coding exon 1) of the BPTF gene, consists of a deletion of one nucleotide at position 202, causing a translational frameshift with a predicted alternate stop codon after 169 amino acids. This alteration is expected to result in loss of function by premature protein truncation or nonsense-mediated mRNA decay. This variant was not reported in population-based cohorts in the Genome Aggregation Database (gnomAD). Based on the available evidence, this alteration is classified as pathogenic.